The following is an entry in ClinVar:

ClinVar aggregate classification (germline): Uncertain significance (1 of 4 stars; one submission).

gnomAD v4.1: 12 of 1,611,880 alleles (0.00074%); highest among the groups gnomAD compares: Admixed American, 0.02%; no homozygotes.

Submission:

GeneDx
Classification: Uncertain significance. Last evaluated: 2026-04-13. Review status: criteria provided, single submitter. Criteria: GeneDx Variant Classification Process June 2021. Collection method: clinical testing. Allele origin: germline.
Comment: In silico analysis suggests that this missense variant does not alter protein structure/function; Has not been previously published as pathogenic or benign to our knowledge

NM_004667.6(HERC2):c.6134C>G (p.Ser2045Cys)

Gene: HERC2 (HECT and RLD domain containing E3 ubiquitin protein ligase 2; minus strand). Cytogenetic location: 15q13.1.
Variant type: single nucleotide variant.
Coding change: c.6134C>G on transcript NM_004667.6 (MANE Select); coding-DNA position 6134, C replaced by G.
Protein change: p.Ser2045Cys; replaces serine 2045 with cysteine.
Molecular consequence: missense variant.
Genome position (GRCh38, 1-based): chr15:28,215,697, G>C on the plus strand (C>G on the coding strand, the complement: HERC2 is on the minus strand). VCF-style: chr15-28215697-G-C. GRCh37 (hg19) VCF-style: chr15-28460843-G-C.
Other names: short protein forms S2045C.
Identifiers: ClinVar variation 5037038 (VCV005037038.1).